The following is an entry in ClinVar:

NM_015631.6(TCTN3):c.1569A>G (p.Leu523=)

Gene: TCTN3 (tectonic family member 3; minus strand). Cytogenetic location: 10q24.1.
Variant type: single nucleotide variant.
Coding change: c.1569A>G on transcript NM_015631.6 (MANE Select); coding-DNA position 1569, A replaced by G.
Protein change: p.Leu523=; no amino-acid change (leucine 523 retained).
Molecular consequence: synonymous variant.
Genome position (GRCh38, 1-based): chr10:95,680,493, T>C on the plus strand (A>G on the coding strand, the complement: TCTN3 is on the minus strand). VCF-style: chr10-95680493-T-C. GRCh37 (hg19) VCF-style: chr10-97440250-T-C.
Other names: p.Leu523=; c.1125A>G, p.Leu375= (NM_001143973.2).
Identifiers: ClinVar variation 593947 (VCV000593947.19), dbSNP rs201367852, ClinGen allele CA5620793.
Genomic context (GRCh38, chr10:95,680,493, plus strand): 5'-TTTGCAAGGTTTAGTGATCCTTTATGAGCCATGACTTACCTGTATAGACTGGCACTGGTA[T>C]AGGAATCGAACTCCTGATACATGAGCTTGCGGGTTGGACAGGAGACCTACATATGCCCAC-3'
Protein context (NP_056446.4, residues 513-533): PQAHVSGVRF[Leu523=]YQCQSIQDSQ

ClinVar aggregate classification (germline): Conflicting classifications of pathogenicity. Review status: criteria provided, conflicting classifications (1 of 4 stars). 6 submissions from 6 submitters: Uncertain significance (1); Likely benign (5). Last evaluated 2026-07-01.

Conditions:
Orofacial-digital syndrome IV (OFD4). Also called: Orofaciodigital syndrome IV; OFD SYNDROME WITH TIBIAL DEFECTS; OFD SYNDROME, BARAITSER-BURN TYPE; OFDS IV; ORAL-FACIAL-DIGITAL SYNDROME, TYPE IV; MOHR-MAJEWSKI SYNDROME. Identifiers: Orphanet 2753, MedGen C0406727, MONDO:0009794, OMIM 258860.
Joubert syndrome 18 (JBTS18). Identifiers: Orphanet 2754, MedGen C3553758, MONDO:0013896, OMIM 614815.
TCTN3-related disorder. Also called: TCTN3-related condition.

Allele frequency attached by ClinVar (database versions not stated): ESP Exome Variant Server 0.00008; TOPMed 0.00009; gnomAD 0.00010 and 0.00011; ExAC 0.00017; gnomAD exomes 0.00020.
gnomAD v4.1: 158 of 1,614,020 alleles (0.0098%); highest among the groups gnomAD compares: Middle Eastern, 0.16%; no homozygotes.

Submissions (6):

CeGaT Center for Human Genetics Tuebingen
Classification: Likely benign. Last evaluated: 2026-07-01. Review status: criteria provided, single submitter. Criteria: CeGaT Center For Human Genetics Tuebingen Variant Classification Criteria Version 2. Collection method: clinical testing. Allele origin: germline. Affected: yes. Observed: 1 variant allele.
Comment: TCTN3: BP4, BP7

Labcorp Genetics (formerly Invitae), Labcorp
Classification: Likely benign for Joubert syndrome 18; Orofacial-digital syndrome IV. Last evaluated: 2026-01-06. Review status: criteria provided, single submitter. Criteria: Invitae Variant Classification Sherloc (09022015). Collection method: clinical testing. Allele origin: germline.

PreventionGenetics, part of Exact Sciences
Classification: Likely benign for TCTN3-related condition. Last evaluated: 2025-12-05. Review status: criteria provided, single submitter. Criteria: ACMG Guidelines, 2015. Collection method: clinical testing. Allele origin: germline.
Comment: This variant is classified as likely benign based on ACMG/AMP sequence variant interpretation guidelines (Richards et al. 2015 PMID: 25741868, with internal and published modifications).

Mayo Clinic Laboratories, Mayo Clinic
Classification: Likely benign. Last evaluated: 2025-08-22. Review status: criteria provided, single submitter. Criteria: ACMG Guidelines, 2015. Collection method: clinical testing. Allele origin: germline. Observed: 1 variant allele.
Comment: BS1_supporting, BP4, BP7

Blueprint Genetics
Classification: Likely benign. Last evaluated: 2024-10-23. Review status: criteria provided, single submitter. Criteria: ACMG Guidelines, 2015. Collection method: clinical testing. Allele origin: germline.

Eurofins Ntd Llc (ga)
Classification: Uncertain significance. Last evaluated: 2017-09-26. Review status: criteria provided, single submitter. Criteria: EGL Classification Definitions 2015. Collection method: clinical testing. Allele origin: germline. Observed: 1 variant allele, 1 heterozygote.